The following is an entry in ClinVar:

NM_002693.3(POLG):c.3242G>T (p.Arg1081Leu)

Gene: POLG (DNA polymerase gamma, catalytic subunit; minus strand). Cytogenetic location: 15q26.1.
Variant type: single nucleotide variant.
Coding change: c.3242G>T on transcript NM_002693.3 (MANE Select); coding-DNA position 3242, G replaced by T.
Protein change: p.Arg1081Leu; replaces arginine 1081 with leucine.
Molecular consequence: missense variant.
Genome position (GRCh38, 1-based): chr15:89,318,962, C>A on the plus strand (G>T on the coding strand, the complement: POLG is on the minus strand). VCF-style: chr15-89318962-C-A. GRCh37 (hg19) VCF-style: chr15-89862193-C-A.
Other names: c.3242G>T, p.Arg1081Leu (NM_001126131.2); short protein forms R1081L.
Identifiers: ClinVar variation 5017898 (VCV005017898.1).

ClinVar aggregate classification (germline): Uncertain significance (1 of 4 stars; one submission).

gnomAD v4.1: 2 of 1,614,130 alleles (0.00012%); highest among the groups gnomAD compares: South Asian, 0.0011%; no homozygotes.

Submission:

GeneDx
Classification: Uncertain significance. Last evaluated: 2026-03-29. Review status: criteria provided, single submitter. Criteria: GeneDx Variant Classification Process June 2021. Collection method: clinical testing. Allele origin: germline.
Comment: Not observed at significant frequency in large population cohorts (gnomAD); In silico analysis supports that this missense variant has a deleterious effect on protein structure/function; Has not been previously published as pathogenic or benign to our knowledge